The following is an entry in ClinVar:

NM_016156.6(MTMR2):c.358-60G>C

Gene: MTMR2 (myotubularin related protein 2; minus strand). Cytogenetic location: 11q21.
Variant type: single nucleotide variant.
Coding change: c.358-60G>C on transcript NM_016156.6 (MANE Select); 60 bases into the intron before coding-DNA position 358, G replaced by C.
Molecular consequence: intron variant.
Genome position (GRCh38, 1-based): chr11:95,862,162, C>G on the plus strand (G>C on the coding strand, the complement: MTMR2 is on the minus strand). VCF-style: chr11-95862162-C-G. GRCh37 (hg19) VCF-style: chr11-95595326-C-G.
Other names: c.142-60G>C (NM_201281.3, NM_201278.3, NM_001243571.2).
Identifiers: ClinVar variation 676826 (VCV000676826.2), dbSNP rs116463605, ClinGen allele CA226612145.
Genomic context (GRCh38, chr11:95,862,162, plus strand): 5'-CCTAAAGAAGGAAAGAAAAAATAATTAAAACTGAGCAATTAATACTGTCCAATTATAGAG[C>G]TGATCAAAATCTTAATCAGAAATGCTTTAATTAGAAATGATCAGAAATGAACAAAACTAG-3'

ClinVar aggregate classification (germline): Likely benign. Review status: criteria provided, multiple submitters, no conflicts (2 of 4 stars). 2 submissions from 2 submitters: Likely benign (2). Last evaluated 2018-06-16.

Allele frequency attached by ClinVar (database versions not stated): gnomAD 0.00901 and 0.00970; TOPMed 0.01022; 1000 Genomes Project 0.01038; 1000 Genomes Project 30x 0.01140.
gnomAD v4.1: 2,717 of 1,543,514 alleles (0.18%); highest among the groups gnomAD compares: African/African-American, 3.1%; 46 homozygotes.

Submissions (2):

GeneDx
Classification: Likely benign. Last evaluated: 2018-06-16. Review status: criteria provided, single submitter. Criteria: GeneDx Variant Classification (06012015). Collection method: clinical testing. Allele origin: germline. Affected: yes.
Comment: This variant is considered likely benign or benign based on one or more of the following criteria: it is a conservative change, it occurs at a poorly conserved position in the protein, it is predicted to be benign by multiple in silico algorithms, and/or has population frequency not consistent with disease.

Breakthrough Genomics
Classification: Likely benign. Review status: criteria provided, single submitter. Criteria: ACMG Guidelines, 2015. Collection method: not provided. Allele origin: germline. Inheritance: Autosomal recessive inheritance. Affected: yes.